The following is an entry in ClinVar:

ClinVar aggregate classification (germline): Uncertain significance (1 of 4 stars; one submission).

Conditions:
Leber congenital amaurosis 8 (LCA8). Identifiers: Orphanet 65, MedGen C3151202, MONDO:0013453, OMIM 613835.
Retinitis pigmentosa 12 (RP12). Also called: RP WITH OR WITHOUT PRESERVED PARAARTERIOLE RETINAL PIGMENT EPITHELIUM; RETINITIS PIGMENTOSA WITH OR WITHOUT PARAARTERIOLAR PRESERVATION OF RETINAL PIGMENT EPITHELIUM; RP WITH OR WITHOUT PPRPE. Identifiers: Orphanet 791, MedGen C1838647, MONDO:0010818, OMIM 600105.

Submission:

Labcorp Genetics (formerly Invitae), Labcorp
Classification: Uncertain significance for Leber congenital amaurosis 8; Retinitis pigmentosa 12. Last evaluated: 2021-10-11. Review status: criteria provided, single submitter. Criteria: Invitae Variant Classification Sherloc (09022015). Collection method: clinical testing. Allele origin: germline.
Comment: This sequence change replaces alanine with threonine at codon 334 of the CRB1 protein (p.Ala334Thr). The alanine residue is highly conserved and there is a small physicochemical difference between alanine and threonine. This variant is not present in population databases (ExAC no frequency). This variant has not been reported in the literature in individuals affected with CRB1-related conditions. Advanced modeling of protein sequence and biophysical properties (such as structural, functional, and spatial information, amino acid conservation, physicochemical variation, residue mobility, and thermodynamic stability) performed at Invitae indicates that this missense variant is not expected to disrupt CRB1 protein function. In summary, the available evidence is currently insufficient to determine the role of this variant in disease. Therefore, it has been classified as a Variant of Uncertain Significance.

NM_201253.3(CRB1):c.1000G>A (p.Ala334Thr)

Gene: CRB1 (crumbs cell polarity complex component 1; plus strand). Cytogenetic location: 1q31.3.
Variant type: single nucleotide variant.
Coding change: c.1000G>A on transcript NM_201253.3 (MANE Select); coding-DNA position 1000, G replaced by A.
Protein change: p.Ala334Thr; replaces alanine 334 with threonine.
Molecular consequence: missense variant. On other transcripts: non-coding transcript variant (2).
Genome position (GRCh38, 1-based): chr1:197,356,842, G>A. VCF-style: chr1-197356842-G-A. GRCh37 (hg19) VCF-style: chr1-197325972-G-A.
Other names: c.664G>A, p.Ala222Thr (NM_001193640.2); c.793G>A, p.Ala265Thr (NM_001257965.2); c.1000G>A, p.Ala334Thr (NM_001257966.2); short protein forms A265T, A222T, A334T.
Identifiers: ClinVar variation 1385985 (VCV001385985.6), dbSNP rs2125354252, ClinGen allele CA344084318.